The following is an entry in ClinVar:

NM_015681.6(B9D1):c.234C>A (p.Asn78Lys)

Gene: B9D1 (B9 domain containing 1; minus strand). Cytogenetic location: 17p11.2.
Variant type: single nucleotide variant.
Coding change: c.234C>A on transcript NM_015681.6 (MANE Select); coding-DNA position 234, C replaced by A.
Protein change: p.Asn78Lys; replaces asparagine 78 with lysine.
Molecular consequence: missense variant. On other transcripts: 5 prime UTR variant (1).
Genome position (GRCh38, 1-based): chr17:19,357,850, G>T on the plus strand (C>A on the coding strand, the complement: B9D1 is on the minus strand). VCF-style: chr17-19357850-G-T. GRCh37 (hg19) VCF-style: chr17-19261163-G-T.
Other names: c.234C>A, p.Asn78Lys (NM_001321214.2, NM_001321215.3, NM_001321216.2 and 4 more transcripts); c.-127C>A (NM_001368769.2); short protein forms N78K.
Identifiers: ClinVar variation 1481679 (VCV001481679.7), dbSNP rs2152273834, ClinGen allele CA398698492.

ClinVar aggregate classification (germline): Uncertain significance (1 of 4 stars; one submission).

Conditions:
Meckel-Gruber syndrome. Also called: DYSENCEPHALIA SPLANCHNOCYSTICA; GRUBER SYNDROME; Dysencephalia splachnocystica. Identifiers: Orphanet 564, MedGen C0265215, MONDO:0018921.
Joubert syndrome. Also called: CEREBELLOPARENCHYMAL DISORDER IV; JOUBERT-BOLTSHAUSER SYNDROME; Familial aplasia of the vermis. Identifiers: Orphanet 475, MedGen C5979921, MONDO:0018772.

gnomAD v4.1: 26 of 1,613,724 alleles (0.0016%); highest among the groups gnomAD compares: Non-Finnish European, 0.0022%; no homozygotes.

Submission:

Labcorp Genetics (formerly Invitae), Labcorp
Classification: Uncertain significance for Joubert syndrome; Meckel-Gruber syndrome. Last evaluated: 2022-07-12. Review status: criteria provided, single submitter. Criteria: Invitae Variant Classification Sherloc (09022015). Collection method: clinical testing. Allele origin: germline.
Comment: In summary, the available evidence is currently insufficient to determine the role of this variant in disease. Therefore, it has been classified as a Variant of Uncertain Significance. This variant is not present in population databases (gnomAD no frequency). This variant has not been reported in the literature in individuals affected with B9D1-related conditions. ClinVar contains an entry for this variant (Variation ID: 1481679). Algorithms developed to predict the effect of missense changes on protein structure and function (SIFT, PolyPhen-2, Align-GVGD) all suggest that this variant is likely to be disruptive. This sequence change replaces asparagine, which is neutral and polar, with lysine, which is basic and polar, at codon 78 of the B9D1 protein (p.Asn78Lys).